The following is an entry in ClinVar:

NM_001429.4(EP300):c.2839A>G (p.Ile947Val)

Genes: EP300 (E1A binding protein p300; plus strand), LOC126863158 (BRD4-independent group 4 enhancer GRCh37_chr22:41547383-41548582; plus strand). Cytogenetic location: 22q13.2.
Variant type: single nucleotide variant.
Coding change: c.2839A>G on transcript NM_001429.4 (MANE Select); coding-DNA position 2839, A replaced by G.
Protein change: p.Ile947Val; replaces isoleucine 947 with valine.
Molecular consequence: missense variant.
Genome position (GRCh38, 1-based): chr22:41,151,854, A>G. VCF-style: chr22-41151854-A-G. GRCh37 (hg19) VCF-style: chr22-41547858-A-G.
Other names: c.2761A>G, p.Ile921Val (NM_001362843.2); short protein forms I921V, I947V.
Identifiers: ClinVar variation 3344028 (VCV003344028.1).

ClinVar aggregate classification (germline): Uncertain significance (0 of 4 stars; one submission).

Conditions:
EP300-related disorder. Also called: EP300-related condition; EP300-related disorders.

gnomAD v4.1: 1 of 1,614,090 alleles (0.000062%); highest among the groups gnomAD compares: Non-Finnish European, 0.000085%; no homozygotes.

Submission:

PreventionGenetics, part of Exact Sciences
Classification: Uncertain significance for EP300-related condition. Last evaluated: 2024-04-17. Review status: no assertion criteria provided. Collection method: clinical testing. Allele origin: germline.
Comment: The EP300 c.2839A>G variant is predicted to result in the amino acid substitution p.Ile947Val. To our knowledge, this variant has not been reported in the literature or in a large population database, indicating this variant is rare. At this time, the clinical significance of this variant is uncertain due to the absence of conclusive functional and genetic evidence.